The following is an entry in ClinVar:

ClinVar aggregate classification (germline): Benign/Likely benign. Review status: criteria provided, multiple submitters, no conflicts (2 of 4 stars). 2 submissions from 2 submitters: Benign (1); Likely benign (1). Last evaluated 2025-05-07.

Conditions:
Renal cell carcinoma. Identifiers: Orphanet 217071, MedGen C0007134, MeSH D002292, MONDO:0005086, HP:0005584.
Papillary renal cell carcinoma type 1 (RCCP1). Also called: RENAL CELL CARCINOMA, PAPILLARY, 1, SOMATIC; Renal adenocarcinoma; Renal cell carcinoma 1; Renal cell carcinoma, somatic. Identifiers: Orphanet 47044, MedGen C1336839, OMIM 605074, HP:0011797.

gnomAD v4.1: 3 of 1,614,088 alleles (0.00019%); highest among the groups gnomAD compares: Non-Finnish European, 0.00025%; no homozygotes.

Submissions (2):

Labcorp Genetics (formerly Invitae), Labcorp
Classification: Likely benign for Renal cell carcinoma. Last evaluated: 2025-05-07. Review status: criteria provided, single submitter. Criteria: Invitae Variant Classification Sherloc (09022015). Collection method: clinical testing. Allele origin: germline.

Myriad Genetics, Inc.
Classification: Benign for Papillary renal cell carcinoma type 1. Last evaluated: 2024-11-14. Review status: criteria provided, single submitter. Criteria: Myriad Autosomal Dominant, Autosomal Recessive and X-Linked Classification Criteria (2023). Collection method: clinical testing. Allele origin: unknown.
Comment: This variant is considered benign. This variant is a silent/synonymous amino acid change and it is not expected to impact splicing.

NM_000245.4(MET):c.3999G>A (p.Leu1333=)

Gene: MET (MET proto-oncogene, receptor tyrosine kinase; plus strand). Cytogenetic location: 7q31.2.
Variant type: single nucleotide variant.
Coding change: c.3999G>A on transcript NM_000245.4 (MANE Select); coding-DNA position 3999, G replaced by A.
Protein change: p.Leu1333=; no amino-acid change (leucine 1333 retained).
Molecular consequence: synonymous variant.
Genome position (GRCh38, 1-based): chr7:116,795,950, G>A. VCF-style: chr7-116795950-G-A. GRCh37 (hg19) VCF-style: chr7-116436004-G-A.
Other names: c.4053G>A, p.Leu1351= (NM_001127500.3); c.2709G>A, p.Leu903= (NM_001324402.2).
Identifiers: ClinVar variation 2056382 (VCV002056382.5), dbSNP rs2117111344, ClinGen allele CA457462527.
Genomic context (GRCh38, chr7:116,795,950, plus strand): 5'-TGAAGTAATGCTAAAATGCTGGCACCCTAAAGCCGAAATGCGCCCATCCTTTTCTGAACT[G>A]GTGTCCCGGATATCAGCGATCTTCTCTACTTTCATTGGGGAGCACTATGTCCATGTGAAC-3'
Protein context (NP_000236.2, residues 1323-1343): KAEMRPSFSE[Leu1333=]VSRISAIFST